The following is an entry in ClinVar:

ClinVar aggregate classification (germline): Uncertain significance (1 of 4 stars; one submission).

Conditions:
Pure or complex autosomal recessive spastic paraplegia. Identifiers: Orphanet 320346, MedGen C5679887, MONDO:0017915.

Submission:

Labcorp Genetics (formerly Invitae), Labcorp
Classification: Uncertain significance for Pure or complex autosomal recessive spastic paraplegia. Last evaluated: 2022-04-09. Review status: criteria provided, single submitter. Criteria: Invitae Variant Classification Sherloc (09022015). Collection method: clinical testing. Allele origin: germline.
Comment: This variant, c.1953_1955del, results in the deletion of 1 amino acid(s) of the ZFR protein (p.Glu653del), but otherwise preserves the integrity of the reading frame. This variant is present in population databases (rs755131671, gnomAD 0.05%). This variant has not been reported in the literature in individuals affected with ZFR-related conditions. Experimental studies and prediction algorithms are not available or were not evaluated, and the functional significance of this variant is currently unknown. In summary, the available evidence is currently insufficient to determine the role of this variant in disease. Therefore, it has been classified as a Variant of Uncertain Significance.

NM_016107.5(ZFR):c.1947AGA[2] (p.Glu653del)

Gene: ZFR (zinc finger RNA binding protein; minus strand). Cytogenetic location: 5p13.3.
Variant type: Microsatellite.
Coding change: c.1947AGA[2] on transcript NM_016107.5 (MANE Select); two copies in a row of the 3-base unit AGA starting at c.1947; the reference has three copies in a row; one copy, 3 bases deleted.
Protein change: p.Glu653del; deletes glutamic acid 653.
Molecular consequence: inframe deletion. On other transcripts: non-coding transcript variant (1).
Genome position (GRCh38, 1-based): chr5:32,395,183-32,395,185, TCT deleted on the plus strand (AGA on the coding strand, the reverse complement: ZFR is on the minus strand); deleting any 3 consecutive bases within chr5:32,395,183-32,395,191 gives the same sequence; the position shown is the placement nearest the transcript's 3' end. VCF-style (leftmost placement, unchanged base first): chr5-32395182-CTCT-C. GRCh37 (hg19) VCF-style: chr5-32395288-CTCT-C.
Other names: short protein forms E653del.
Identifiers: ClinVar variation 2419458 (VCV002419458.6), dbSNP rs755131671, ClinGen allele CA3221725.
Genomic context (GRCh38, chr5:32,395,182, plus strand): 5'-AACCACTTACCAGGCTATTAAAAGTTAAAGATATTACCTCATTTCCATTCTCCAACGCTC[CTCT>C]TCTTCTCGTCTTCGCCAGTACTCCTCCTTCTGCATTTGCTTCCTCATTTTCTCTTCTTGA-3'